The following is an entry in ClinVar:

NM_000138.5(FBN1):c.8422del (p.Gln2808fs)

Gene: FBN1 (fibrillin 1; minus strand). Cytogenetic location: 15q21.1.
Variant type: Deletion.
Coding change: c.8422del on transcript NM_000138.5 (MANE Select); coding-DNA position 8422, one base deleted (C; older notation c.8422delC).
Protein change: p.Gln2808fs; shifts the reading frame from glutamine 2808.
Molecular consequence: frameshift variant.
Genome position (GRCh38, 1-based): chr15:48,411,184, G deleted on the plus strand (C on the coding strand, the reverse complement: FBN1 is on the minus strand); the first of 2 consecutive G bases (chr15:48,411,184-48,411,185); deleting either gives the same sequence. VCF-style (leftmost placement, unchanged base first): chr15-48411183-TG-T. GRCh37 (hg19) VCF-style: chr15-48703380-TG-T.
Other names: c.8422delC (NM_000138.4); short protein forms Q2808fs.
Identifiers: ClinVar variation 429948 (VCV000429948.2), dbSNP rs1131691692, ClinGen allele CA645369661.

ClinVar aggregate classification (germline): Likely pathogenic (1 of 4 stars; one submission).

Submission:

GeneDx
Classification: Likely pathogenic. Last evaluated: 2017-01-18. Review status: criteria provided, single submitter. Criteria: GeneDx Variant Classification (06012015). Collection method: clinical testing. Allele origin: germline. Affected: yes.
Comment: A variant that is likely pathogenic has been identified in the FBN1 gene. The c.8422delC variant has not been published as a pathogenic variant, nor has it been reported as a benign variant to our knowledge. This variant causes a shift in reading frame starting at codon glutamine 2808, and replaces the last 64 amino acid residues of the protein with 37 aberrant residues, thus altering and truncating the resulting protein product. Other frameshift variants in the FBN1 gene have been reported in HGMD in association with Marfan syndrome (Stenson et al., 2014). Additionally, the c.8422delC variant was not observed in approximately 6,500 individuals of European and African American ancestry in the NHLBI Exome Sequencing Project, indicating it is not a common benign variant in these populations. Therefore, this variant is likely pathogenic.